The following is an entry in ClinVar:

ClinVar aggregate classification (germline): Uncertain significance (1 of 4 stars; one submission).

Submission:

Biesecker Lab/Clinical Genomics Section, National Institutes of Health
Classification: Uncertain significance. Last evaluated: 2013-06-24. Review status: criteria provided, single submitter. Criteria: Ng et al. (Circ Cardiovasc Genet. 2013). Collection method: research. Allele origin: unknown. Observed: 1 variant allele. Study: ClinSeq.
Comment: The study set was not selected for affection status in relation to any cancer. Pathogenicity categories were based on literature curation. See Pubmed ID:23861362 for details.

Medical sequencing

NM_001040151.2(SCN3B):c.217C>A (p.Leu73Ile)

Gene: SCN3B (sodium voltage-gated channel beta subunit 3; minus strand). Cytogenetic location: 11q24.1.
Variant type: single nucleotide variant.
Coding change: c.217C>A on transcript NM_001040151.2 (MANE Select); coding-DNA position 217, C replaced by A.
Protein change: p.Leu73Ile; replaces leucine 73 with isoleucine.
Molecular consequence: missense variant.
Genome position (GRCh38, 1-based): chr11:123,645,589, G>T on the plus strand (C>A on the coding strand, the complement: SCN3B is on the minus strand). VCF-style: chr11-123645589-G-T. GRCh37 (hg19) VCF-style: chr11-123516297-G-T.
Other names: c.217C>A, p.Leu73Ile (NM_018400.4); short protein forms L73I.
Identifiers: ClinVar variation 191496 (VCV000191496.1), dbSNP rs786205425, ClinGen allele CA236792.